The following is an entry in ClinVar:

NM_138713.4(NFAT5):c.3298C>G (p.Gln1100Glu)

Gene: NFAT5 (nuclear factor of activated T cells 5; plus strand). Cytogenetic location: 16q22.1.
Variant type: single nucleotide variant.
Coding change: c.3298C>G on transcript NM_138713.4 (MANE Select); coding-DNA position 3298, C replaced by G.
Protein change: p.Gln1100Glu; replaces glutamine 1100 with glutamic acid.
Molecular consequence: missense variant.
Genome position (GRCh38, 1-based): chr16:69,693,123, C>G. VCF-style: chr16-69693123-C-G. GRCh37 (hg19) VCF-style: chr16-69727026-C-G.
Other names: c.3298C>G (NM_138713.3); c.3295C>G, p.Gln1099Glu (NM_001113178.3); c.2623C>G, p.Gln875Glu (NM_001367709.1); c.3244C>G, p.Gln1082Glu (NM_006599.4); c.3016C>G, p.Gln1006Glu (NM_138714.4, NM_173214.3, NM_173215.3); short protein forms Q1099E, Q1100E, Q875E, Q1006E, Q1082E.
Identifiers: ClinVar variation 839575 (VCV000839575.11), dbSNP rs753594508, ClinGen allele CA8135883.
Genomic context (GRCh38, chr16:69,693,123, plus strand): 5'-CAGCAGTCTTCTCATTCACAGGCCCAACTTTTTCATCCTCAAAATCCTATTGCCGATGCT[C>G]AGAACCTTTCCCAGGAAACTCAAGGTTCTCTCTTTCATAGTCCAAATCCTATTGTCCACA-3'
Protein context (NP_619727.2, residues 1090-1110): FHPQNPIADA[Gln1100Glu]NLSQETQGSL

ClinVar aggregate classification (germline): Uncertain significance. Review status: criteria provided, multiple submitters, no conflicts (2 of 4 stars). 4 submissions from 4 submitters: Uncertain significance (2). 2 of the submissions do not count toward it. Last evaluated 2026-01-28.

Conditions:
Immunodeficiency. Identifiers: MedGen C0021051, MONDO:0021094, HP:0002721.

Allele frequency attached by ClinVar (database versions not stated): ExAC 0.00001; gnomAD exomes 0.00001 and 0.00002; TOPMed 0.00002; gnomAD 0.00003.
gnomAD v4.1: 35 of 1,614,006 alleles (0.0022%); highest among the groups gnomAD compares: Non-Finnish European, 0.0028%; no homozygotes.

Submissions (4):

Labcorp Genetics (formerly Invitae), Labcorp
Classification: Uncertain significance for Immunodeficiency. Last evaluated: 2026-01-28. Review status: criteria provided, single submitter. Criteria: Invitae Variant Classification Sherloc (09022015). Collection method: clinical testing. Allele origin: germline.
Comment: This sequence change replaces glutamine, which is neutral and polar, with glutamic acid, which is acidic and polar, at codon 1006 of the NFAT5 protein (p.Gln1006Glu). This variant is present in population databases (rs753594508, gnomAD 0.003%). This variant has not been reported in the literature in individuals affected with NFAT5-related conditions. ClinVar contains an entry for this variant (Variation ID: 839575). An algorithm developed to predict the effect of missense changes on protein structure and function (PolyPhen-2) suggests that this variant is likely to be disruptive. In summary, the available evidence is currently insufficient to determine the role of this variant in disease. Therefore, it has been classified as a Variant of Uncertain Significance.

Ambry Genetics
Classification: Uncertain significance. Last evaluated: 2021-06-22. Review status: criteria provided, single submitter. Criteria: Ambry Variant Classification Scheme 2023. Collection method: clinical testing. Allele origin: germline.

Clinical Genetics DNA and cytogenetics Diagnostics Lab, Erasmus MC, Erasmus Medical Center
Classification: Uncertain significance. Review status: no assertion criteria provided. Collection method: clinical testing. Allele origin: germline. Affected: yes. Study: VKGL Data-share Consensus. Not counted in ClinVar's aggregate classification.

Diagnostic Laboratory, Department of Genetics, University Medical Center Groningen
Classification: Uncertain significance. Review status: no assertion criteria provided. Collection method: clinical testing. Allele origin: germline. Affected: yes. Study: VKGL Data-share Consensus. Not counted in ClinVar's aggregate classification.